The following is an entry in ClinVar:

ClinVar aggregate classification (germline): Pathogenic (1 of 4 stars; one submission).

Submission:

Labcorp Genetics (formerly Invitae), Labcorp
Classification: Pathogenic. Last evaluated: 2024-08-23. Review status: criteria provided, single submitter. Criteria: Invitae Variant Classification Sherloc (09022015). Collection method: clinical testing. Allele origin: germline.
Comment: This sequence change creates a premature translational stop signal (p.Val496Cysfs*36) in the ACO2 gene. It is expected to result in an absent or disrupted protein product. Loss-of-function variants in ACO2 are known to be pathogenic (PMID: 30689204, 32519519). This variant is not present in population databases (gnomAD no frequency). This variant has not been reported in the literature in individuals affected with ACO2-related conditions. For these reasons, this variant has been classified as Pathogenic.

Literature cited by the submitters: PubMed 30689204; PubMed 32519519.

NM_001098.3(ACO2):c.1485dup (p.Val496fs)

Gene: ACO2 (aconitase 2; plus strand). Cytogenetic location: 22q13.2.
Variant type: Duplication.
Coding change: c.1485dup on transcript NM_001098.3 (MANE Select); coding-DNA position 1485, one base duplicated (T; older notation c.1485dupT).
Protein change: p.Val496fs; shifts the reading frame from valine 496.
Molecular consequence: frameshift variant.
Genome position (GRCh38, 1-based): chr22:41,524,848, T duplicated; the last of 2 consecutive T bases (chr22:41,524,847-41,524,848); duplicating either gives the same sequence. VCF-style (leftmost placement, unchanged base first): chr22-41524846-A-AT. GRCh37 (hg19) VCF-style: chr22-41920850-A-AT.
Other names: short protein forms V496fs.
Identifiers: ClinVar variation 3662705 (VCV003662705.2).